The following is an entry in ClinVar:

NR_185838.1(ATXN8OS):n.1114G>A

Gene: ATXN8OS (ATXN8 opposite strand lncRNA; plus strand). Cytogenetic location: 13q21.33.
Variant type: single nucleotide variant.
Molecular consequence: non-coding transcript variant (on NR_185838.1).
Genome position: GRCh38 VCF-style: chr13-70147844-G-A. GRCh37 (hg19) VCF-style: chr13-70721976-G-A.
Identifiers: ClinVar variation 2643842 (VCV002643842.24), dbSNP rs117220157, ClinGen allele CA252267889.

ClinVar aggregate classification (germline): Benign (1 of 4 stars; one submission).

Allele frequency attached by ClinVar (database versions not stated): 1000 Genomes Project 0.00319; 1000 Genomes Project 30x 0.00375; TOPMed 0.00395.
gnomAD v4.1: 601 of 152,232 alleles (0.39%); highest among the groups gnomAD compares: Admixed American, 0.72%; 2 homozygotes.

Submission:

CeGaT Center for Human Genetics Tuebingen
Classification: Benign. Last evaluated: 2023-01-01. Review status: criteria provided, single submitter. Criteria: CeGaT Center For Human Genetics Tuebingen Variant Classification Criteria Version 2. Collection method: clinical testing. Allele origin: germline. Affected: yes. Observed: 3 variant alleles.
Comment: ATXN8OS: BS1, BS2